The following is an entry in ClinVar:

NM_000090.4(COL3A1):c.1761+6T>C

Gene: COL3A1 (collagen type III alpha 1 chain; plus strand). Cytogenetic location: 2q32.2.
Variant type: single nucleotide variant.
Coding change: c.1761+6T>C on transcript NM_000090.4 (MANE Select); 6 bases into the intron after coding-DNA position 1761, T replaced by C.
Molecular consequence: intron variant.
Genome position (GRCh38, 1-based): chr2:188,996,502, T>C. VCF-style: chr2-188996502-T-C. GRCh37 (hg19) VCF-style: chr2-189861228-T-C.
Identifiers: ClinVar variation 573680 (VCV000573680.18), dbSNP rs189483688, ClinGen allele CA074626.

ClinVar aggregate classification (germline): Conflicting classifications of pathogenicity. Review status: criteria provided, conflicting classifications (1 of 4 stars). 7 submissions from 7 submitters: Uncertain significance (6); Likely benign (1). Last evaluated 2026-02-01.

Conditions:
Ehlers-Danlos syndrome, type 4 (EDSVASC). Also called: Ehlers-Danlos syndrome vascular type; Ehlers Danlos syndrome, ecchymotic type; Ehlers Danlos syndrome, arterial type; Ehlers Danlos syndrome, Sack-Barabas type; Ehlers-Danlos Syndrome Type IV. Identifiers: Orphanet 286, MedGen C0268338, MONDO:0017314, OMIM 130050.
Polymicrogyria with or without vascular-type Ehlers-Danlos syndrome. Identifiers: Orphanet 636941, MedGen C5193040, MONDO:0032688, OMIM 618343.
Familial thoracic aortic aneurysm and aortic dissection (TAAD). Also called: Thoracic aortic aneurysms and dissections. Identifiers: Orphanet 91387, MedGen C4707243, MONDO:0019625.

Allele frequency attached by ClinVar (database versions not stated): ExAC 0.00001; gnomAD 0.00001; gnomAD exomes 0.00002 and 0.00007; TOPMed 0.00003; 1000 Genomes Project 30x 0.00016; 1000 Genomes Project 0.00020.

Submissions (7):

Labcorp Genetics (formerly Invitae), Labcorp
Classification: Uncertain significance for Ehlers-Danlos syndrome, type 4. Last evaluated: 2026-02-01. Review status: criteria provided, single submitter. Criteria: Invitae Variant Classification Sherloc (09022015). Collection method: clinical testing. Allele origin: germline.
Comment: This sequence change falls in intron 24 of the COL3A1 gene. It does not directly change the encoded amino acid sequence of the COL3A1 protein. It affects a nucleotide within the consensus splice site. This variant is present in population databases (rs189483688, gnomAD 0.04%). This variant has not been reported in the literature in individuals affected with COL3A1-related conditions. ClinVar contains an entry for this variant (Variation ID: 573680). Variants that disrupt the consensus splice site are a relatively common cause of aberrant splicing (PMID: 17576681, 9536098). Algorithms developed to predict the effect of sequence changes on RNA splicing suggest that this variant may disrupt the consensus splice site. In summary, the available evidence is currently insufficient to determine the role of this variant in disease. Therefore, it has been classified as a Variant of Uncertain Significance.

Color Diagnostics, LLC DBA Color Health
Classification: Uncertain significance for Familial thoracic aortic aneurysm and aortic dissection. Last evaluated: 2025-11-20. Review status: criteria provided, single submitter. Criteria: ACMG Guidelines, 2015. Collection method: clinical testing. Allele origin: germline.
Comment: This variant causes a T to C nucleotide substitution at the +6 position of intron 24 of the COL3A1 gene. To our knowledge, functional studies have not been reported for this variant. This variant has not been reported in individuals affected with COL3A1-related disorders in the literature. This variant has been identified in 29/1610240 chromosomes in the general population by the Genome Aggregation Database (gnomAD). The available evidence is insufficient to determine the role of this variant in disease conclusively. Therefore, this variant is classified as a Variant of Uncertain Significance.

Women's Health and Genetics/Laboratory Corporation of America, LabCorp
Classification: Uncertain significance. Last evaluated: 2025-02-24. Review status: criteria provided, single submitter. Criteria: LabCorp Variant Classification Summary - May 2015. Collection method: clinical testing. Allele origin: germline.
Comment: Variant summary: COL3A1 c.1761+6T>C alters a non-conserved nucleotide located close to a canonical splice site and therefore could affect mRNA splicing, leading to a significantly altered protein sequence. Several computational tools predict a significant impact on normal splicing: Two predict the variant abolishes the canonical 5' splicing donor site. One predict the variant weakens the canonical 5' donor site. One predict the variant no significant impact on splicing. However, these predictions have yet to be confirmed by functional studies. The variant allele was found at a frequency of 7.2e-05 in 250454 control chromosomes, predominantly at a frequency of 0.00046 within the Latino subpopulation in the gnomAD database. This frequency is not significantly higher than estimated for a pathogenic variant in COL3A1 causing Polymicrogyria with or without vascular-type Ehlers-Danlos syndrome, allowing no conclusion about variant significance. To our knowledge, no occurrence of c.1761+6T>C in individuals affected with Polymicrogyria with or without vascular-type Ehlers-Danlos syndrome and no experimental evidence demonstrating its impact on protein function have been reported. ClinVar contains an entry for this variant (Variation ID: 573680). Based on the evidence outlined above, the variant was classified as uncertain significance.

GeneDx
Classification: Uncertain significance. Last evaluated: 2024-01-05. Review status: criteria provided, single submitter. Criteria: GeneDx Variant Classification Process June 2021. Collection method: clinical testing. Allele origin: germline. Affected: yes.
Comment: In silico analysis supports that this variant does not alter splicing; Has not been previously published as pathogenic or benign to our knowledge

Ambry Genetics
Classification: Likely benign for Familial thoracic aortic aneurysm and aortic dissection. Last evaluated: 2022-01-18. Review status: criteria provided, single submitter. Criteria: Ambry Variant Classification Scheme 2023. Collection method: clinical testing. Allele origin: germline.

Fulgent Genetics
Classification: Uncertain significance for Ehlers-Danlos syndrome, type 4; Polymicrogyria with or without vascular-type Ehlers-Danlos syndrome. Last evaluated: 2021-07-22. Review status: criteria provided, single submitter. Criteria: ACMG Guidelines, 2015. Collection method: clinical testing. Allele origin: unknown.

Baylor Genetics
Classification: Uncertain significance for Polymicrogyria with or without vascular-type Ehlers-Danlos syndrome. Last evaluated: 2021-03-25. Review status: criteria provided, single submitter. Criteria: ACMG Guidelines, 2015. Collection method: clinical testing. Allele origin: unknown.

Literature cited by the submitters: PubMed 17576681 (cited by Labcorp Genetics (formerly Invitae), Labcorp); PubMed 9536098 (cited by Labcorp Genetics (formerly Invitae), Labcorp).